The following is an entry in ClinVar:

ClinVar aggregate classification (germline): Likely benign. Review status: criteria provided, multiple submitters, no conflicts (2 of 4 stars). 2 submissions from 2 submitters: Likely benign (2). Last evaluated 2025-01-20.

Conditions:
PCNT-related disorder. Also called: PCNT-related condition.

gnomAD v4.1: 7 of 1,614,110 alleles (0.00043%); highest among the groups gnomAD compares: Admixed American, 0.0017%; no homozygotes.

Submissions (2):

PreventionGenetics, part of Exact Sciences
Classification: Likely benign for PCNT-related condition. Last evaluated: 2025-01-20. Review status: criteria provided, single submitter. Criteria: ACMG Guidelines, 2015. Collection method: clinical testing. Allele origin: germline.
Comment: This variant is classified as likely benign based on ACMG/AMP sequence variant interpretation guidelines (Richards et al. 2015 PMID: 25741868, with internal and published modifications).

Labcorp Genetics (formerly Invitae), Labcorp
Classification: Likely benign. Last evaluated: 2024-03-03. Review status: criteria provided, single submitter. Criteria: Invitae Variant Classification Sherloc (09022015). Collection method: clinical testing. Allele origin: germline.

NM_006031.6(PCNT):c.8752-5A>T

Gene: PCNT (pericentrin; plus strand). Cytogenetic location: 21q22.3.
Variant type: single nucleotide variant.
Coding change: c.8752-5A>T on transcript NM_006031.6 (MANE Select); 5 bases into the intron before coding-DNA position 8752, A replaced by T.
Molecular consequence: intron variant.
Genome position (GRCh38, 1-based): chr21:46,435,899, A>T. VCF-style: chr21-46435899-A-T. GRCh37 (hg19) VCF-style: chr21-47855812-A-T.
Other names: c.8752-5A>T (NM_006031.5); c.8161-5A>T (NM_001315529.2).
Identifiers: ClinVar variation 1982130 (VCV001982130.5), dbSNP rs149444205, ClinGen allele CA749921594.